The following is an entry in ClinVar:

ClinVar aggregate classification (germline): Uncertain significance (1 of 4 stars; one submission).

Conditions:
Inborn genetic diseases. Identifiers: MedGen C0950123, MeSH D030342.

Submission:

Ambry Genetics
Classification: Uncertain significance for Inborn genetic diseases. Last evaluated: 2024-11-04. Review status: criteria provided, single submitter. Criteria: Ambry Variant Classification Scheme 2023. Collection method: clinical testing. Allele origin: germline.
Comment: The c.7807C>T (p.R2603W) alteration is located in exon 12 (coding exon 11) of the SRRM2 gene. This alteration results from a C to T substitution at nucleotide position 7807, causing the arginine (R) at amino acid position 2603 to be replaced by a tryptophan (W). This variant was not reported in population-based cohorts in the Genome Aggregation Database (gnomAD). This amino acid position is highly conserved in available vertebrate species. This alteration is predicted to be tolerated by in silico analysis. Based on insufficient or conflicting evidence, the clinical significance of this alteration remains unclear.

NM_016333.4(SRRM2):c.7807C>T (p.Arg2603Trp)

Gene: SRRM2 (serine/arginine repetitive matrix 2; plus strand). Cytogenetic location: 16p13.3.
Variant type: single nucleotide variant.
Coding change: c.7807C>T on transcript NM_016333.4 (MANE Select); coding-DNA position 7807, C replaced by T.
Protein change: p.Arg2603Trp; replaces arginine 2603 with tryptophan.
Molecular consequence: missense variant.
Genome position (GRCh38, 1-based): chr16:2,769,070, C>T. VCF-style: chr16-2769070-C-T. GRCh37 (hg19) VCF-style: chr16-2819071-C-T.
Other names: short protein forms R2603W.
Identifiers: ClinVar variation 3449551 (VCV003449551.1).
Genomic context (GRCh38, chr16:2,769,070, plus strand): 5'-ACCCCAGCCCCAAAGGAGGCTGTTCGAGAGGGACGTCCTCCGGAGCCAACCCCAGCCAAA[C>T]GGAAGAGGCGCTCTAGCAGTTCCAGTTCCAGCTCCTCCTCTTCATCTTCCTCCTCCTCCT-3'
Protein context (NP_057417.3, residues 2593-2613): GRPPEPTPAK[Arg2603Trp]KRRSSSSSSS